The following is an entry in ClinVar:

NM_001386140.1(MTTP):c.2348C>T (p.Thr783Ile)

Gene: MTTP (microsomal triglyceride transfer protein; plus strand). Cytogenetic location: 4q23.
Variant type: single nucleotide variant.
Coding change: c.2348C>T on transcript NM_001386140.1 (MANE Select); coding-DNA position 2348, C replaced by T.
Protein change: p.Thr783Ile; replaces threonine 783 with isoleucine.
Molecular consequence: missense variant.
Genome position (GRCh38, 1-based): chr4:99,621,066, C>T. VCF-style: chr4-99621066-C-T. GRCh37 (hg19) VCF-style: chr4-100542223-C-T.
Other names: c.2348C>T, p.Thr783Ile (NM_000253.4); c.2099C>T, p.Thr700Ile (NM_001300785.2); short protein forms T700I, T783I.
Identifiers: ClinVar variation 1051028 (VCV001051028.3), dbSNP rs572336571, ClinGen allele CA3022351.
Genomic context (GRCh38, chr4:99,621,066, plus strand): 5'-CAATACCATTAAATATAATATGAACAAGTTTTTTCTTTTTTTCTCAAATGTTTAGGGTGA[C>T]TGTGGTAATAACCACTGACATCACAGTGGACTCCTCTTTTGTGAAAGCTGGCCTGGAAAC-3'
Protein context (NP_001373069.1, residues 773-793): ESKTRVKNRV[Thr783Ile]VVITTDITVD

ClinVar aggregate classification (germline): Uncertain significance. Review status: criteria provided, single submitter (1 of 4 stars). 2 submissions from 2 submitters: Uncertain significance (1). 1 of the submissions does not count toward it. Last evaluated 2021-08-26.

Conditions:
Abetalipoproteinaemia (ABL). Also called: Abetalipoproteinemia; MTP DEFICIENCY; Abetalipoproteinemia neuropathy; Apolipoprotein B deficiency; Congenital betalipoprotein deficiency syndrome. Identifiers: Orphanet 14, MedGen C0000744, MONDO:0008692, OMIM 200100, HP:0008181.

Allele frequency attached by ClinVar (database versions not stated): gnomAD 0.00001; gnomAD exomes 0.00001; ExAC 0.00002; 1000 Genomes Project 30x 0.00016; 1000 Genomes Project 0.00020.
gnomAD v4.1: 6 of 1,613,986 alleles (0.00037%); highest among the groups gnomAD compares: East Asian, 0.013%; no homozygotes.

Submissions (2):

Labcorp Genetics (formerly Invitae), Labcorp
Classification: Uncertain significance. Last evaluated: 2021-08-26. Review status: criteria provided, single submitter. Criteria: Invitae Variant Classification Sherloc (09022015). Collection method: clinical testing. Allele origin: germline.
Comment: This sequence change replaces threonine with isoleucine at codon 783 of the MTTP protein (p.Thr783Ile). The threonine residue is weakly conserved and there is a moderate physicochemical difference between threonine and isoleucine. This variant is present in population databases (rs572336571, ExAC 0.03%). This variant has not been reported in the literature in individuals affected with MTTP-related conditions. Algorithms developed to predict the effect of missense changes on protein structure and function are either unavailable or do not agree on the potential impact of this missense change (SIFT: "Deleterious"; PolyPhen-2: "Benign"; Align-GVGD: "Class C0"). In summary, the available evidence is currently insufficient to determine the role of this variant in disease. Therefore, it has been classified as a Variant of Uncertain Significance.

Natera, Inc.
Classification: Uncertain significance for Abetalipoproteinemia. Last evaluated: 2020-10-12. Review status: no assertion criteria provided. Collection method: clinical testing. Allele origin: germline. Not counted in ClinVar's aggregate classification.